The following is an entry in ClinVar:

ClinVar aggregate classification (germline): Uncertain significance (1 of 4 stars; one submission).

Allele frequency attached by ClinVar (database versions not stated): gnomAD 0.00001; TOPMed 0.00001.
gnomAD v4.1: 17 of 1,613,206 alleles (0.0011%); highest among the groups gnomAD compares: Non-Finnish European, 0.0014%; no homozygotes.

Submission:

Women's Health and Genetics/Laboratory Corporation of America, LabCorp
Classification: Uncertain significance. Last evaluated: 2023-11-08. Review status: criteria provided, single submitter. Criteria: LabCorp Variant Classification Summary - May 2015. Collection method: clinical testing. Allele origin: germline.
Comment: Variant summary: FGFR3 c.1549A>G (p.Lys517Glu) results in a conservative amino acid change located in the Protein kinase domain (IPR000719) of the encoded protein sequence. Four of five in-silico tools predict a benign effect of the variant on protein function. The variant allele was found at a frequency of 4e-06 in 250738 control chromosomes (gnomAD). The available data on variant occurrences in the general population are insufficient to allow any conclusion about variant significance. To our knowledge, no occurrence of c.1549A>G in individuals affected with Achondroplasia and no experimental evidence demonstrating its impact on protein function have been reported. No submitters have cited clinical-significance assessments for this variant to ClinVar after 2014. Based on the evidence outlined above, the variant was classified as uncertain significance.

NM_000142.5(FGFR3):c.1549A>G (p.Lys517Glu)

Gene: FGFR3 (fibroblast growth factor receptor 3; plus strand). Cytogenetic location: 4p16.3.
Variant type: single nucleotide variant.
Coding change: c.1549A>G on transcript NM_000142.5 (MANE Select); coding-DNA position 1549, A replaced by G.
Protein change: p.Lys517Glu; replaces lysine 517 with glutamic acid.
Molecular consequence: missense variant. On other transcripts: non-coding transcript variant (1).
Genome position (GRCh38, 1-based): chr4:1,805,573, A>G. VCF-style: chr4-1805573-A-G. GRCh37 (hg19) VCF-style: chr4-1807300-A-G.
Other names: c.1555A>G, p.Lys519Glu (NM_001163213.2); c.1552A>G, p.Lys518Glu (NM_001354809.2, NM_001354810.2); c.1213A>G, p.Lys405Glu (NM_022965.4); short protein forms K405E, K517E, K518E, K519E.
Identifiers: ClinVar variation 2682380 (VCV002682380.1), dbSNP rs560351992, ClinGen allele CA91256695.